The following is an entry in ClinVar:

ClinVar aggregate classification (germline): Conflicting classifications of pathogenicity. Review status: criteria provided, conflicting classifications (1 of 4 stars). 6 submissions from 6 submitters: Uncertain significance (3); Likely benign (2). 1 of the submissions does not count toward it. Last evaluated 2026-01-28.

Conditions:
McKusick-Kaufman syndrome (MKKS). Also called: HYDROMETROCOLPOS SYNDROME; HYDROMETROCOLPOS, POSTAXIAL POLYDACTYLY, AND CONGENITAL HEART MALFORMATION. Identifiers: Orphanet 2473, MedGen C0948368, MONDO:0009367, OMIM 236700.
Bardet-Biedl syndrome 6 (BBS6). Identifiers: Orphanet 110, MedGen C1858054, MONDO:0011523, OMIM 605231.
Bardet-Biedl syndrome (BBS). Identifiers: Orphanet 110, MedGen C0752166, MONDO:0015229.
MKKS-related disorder. Also called: MKKS-related condition; MKKS-related disorders.

Allele frequency attached by ClinVar (database versions not stated): gnomAD exomes 0.00005; ExAC 0.00008; TOPMed 0.00021; gnomAD 0.00022 and 0.00023; ESP Exome Variant Server 0.00023; 1000 Genomes Project 0.00060; 1000 Genomes Project 30x 0.00062.
gnomAD v4.1: 57 of 1,614,132 alleles (0.0035%); highest among the groups gnomAD compares: African/African-American, 0.065%; no homozygotes.

Submissions (6):

Labcorp Genetics (formerly Invitae), Labcorp
Classification: Likely benign for McKusick-Kaufman syndrome; Bardet-Biedl syndrome. Last evaluated: 2026-01-28. Review status: criteria provided, single submitter. Criteria: Invitae Variant Classification Sherloc (09022015). Collection method: clinical testing. Allele origin: germline.

Blueprint Genetics
Classification: Likely benign. Last evaluated: 2024-05-03. Review status: criteria provided, single submitter. Criteria: ACMG Guidelines, 2015. Collection method: clinical testing. Allele origin: germline.

Fulgent Genetics
Classification: Uncertain significance for McKusick-Kaufman syndrome; Bardet-Biedl syndrome 6. Last evaluated: 2024-04-16. Review status: criteria provided, single submitter. Criteria: ACMG Guidelines, 2015. Collection method: clinical testing. Allele origin: germline.

New York Genome Center
Classification: Uncertain significance for Bardet-Biedl syndrome 6; McKusick-Kaufman syndrome. Last evaluated: 2021-11-05. Review status: criteria provided, single submitter. Criteria: NYGC Assertion Criteria 2020. Collection method: clinical testing. Allele origin: germline. Observed: 1 heterozygote.

Breakthrough Genomics
Classification: Uncertain significance. Review status: criteria provided, single submitter. Criteria: ACMG Guidelines, 2015. Collection method: not provided. Allele origin: germline. Inheritance: Autosomal dominant inheritance. Affected: yes.

PreventionGenetics, part of Exact Sciences
Classification: Uncertain significance for MKKS-related condition. Last evaluated: 2024-09-24. Review status: no assertion criteria provided. Collection method: clinical testing. Allele origin: germline. Not counted in ClinVar's aggregate classification.
Comment: The MKKS c.1098T>A variant is predicted to result in the amino acid substitution p.Asn366Lys. To our knowledge, this variant has not been reported in the literature. This variant is reported in 0.076% of alleles in individuals of African descent in gnomAD, which may be too common to be an unreported primary cause of disease. Although we suspect this variant may possibly be benign, at this time its clinical significance is uncertain due to the absence of conclusive functional and genetic evidence.

NM_170784.3(MKKS):c.1098T>A (p.Asn366Lys)

Gene: MKKS (MKKS centrosomal shuttling protein; minus strand). Cytogenetic location: 20p12.2.
Variant type: single nucleotide variant.
Coding change: c.1098T>A on transcript NM_170784.3 (MANE Select); coding-DNA position 1098, T replaced by A.
Protein change: p.Asn366Lys; replaces asparagine 366 with lysine.
Molecular consequence: missense variant. On other transcripts: non-coding transcript variant (1).
Genome position (GRCh38, 1-based): chr20:10,408,691, A>T on the plus strand (T>A on the coding strand, the complement: MKKS is on the minus strand). VCF-style: chr20-10408691-A-T. GRCh37 (hg19) VCF-style: chr20-10389339-A-T.
Other names: c.1098T>A (NM_170784.2); c.1098T>A, p.Asn366Lys (NM_018848.3); short protein forms N366K.
Identifiers: ClinVar variation 958862 (VCV000958862.15), dbSNP rs147882975, ClinGen allele CA9763562.
Genomic context (GRCh38, chr20:10,408,691, plus strand): 5'-CAGCTCATCCCAGGCAGTGTCATTTCTGTTGCAGAGAAGCAAGCTGCAGATTGTTGCTTC[A>T]TTAGGAATAAGATGAAAAAAATGTTTGGAGCCAAATTTTGCAGTGCACACATCTTTCACA-3'
Protein context (NP_740754.1, residues 356-376): GSKHFFHLIP[Asn366Lys]EATICSLLLC